The following is an entry in ClinVar:

ClinVar aggregate classification (germline): Uncertain significance (1 of 4 stars; one submission).

gnomAD v4.1: 8 of 1,610,504 alleles (0.0005%); highest among the groups gnomAD compares: Admixed American, 0.012%; 1 homozygote.

Submission:

Labcorp Genetics (formerly Invitae), Labcorp
Classification: Uncertain significance. Last evaluated: 2025-03-20. Review status: criteria provided, single submitter. Criteria: Invitae Variant Classification Sherloc (09022015). Collection method: clinical testing. Allele origin: germline.
Comment: This sequence change replaces threonine, which is neutral and polar, with alanine, which is neutral and non-polar, at codon 453 of the COCH protein (p.Thr453Ala). This variant is present in population databases (rs760876932, gnomAD 0.02%). This variant has not been reported in the literature in individuals affected with COCH-related conditions. Invitae Evidence Modeling of protein sequence and biophysical properties (such as structural, functional, and spatial information, amino acid conservation, physicochemical variation, residue mobility, and thermodynamic stability) indicates that this missense variant is not expected to disrupt COCH protein function with a negative predictive value of 95%. In summary, the available evidence is currently insufficient to determine the role of this variant in disease. Therefore, it has been classified as a Variant of Uncertain Significance.

NM_004086.3(COCH):c.1357A>G (p.Thr453Ala)

Genes: COCH (cochlin; plus strand), COCH-AS1 (COCH antisense RNA 1; minus strand). Cytogenetic location: 14q12.
Variant type: single nucleotide variant.
Coding change: c.1357A>G on transcript NM_004086.3 (MANE Select); coding-DNA position 1357, A replaced by G.
Protein change: p.Thr453Ala; replaces threonine 453 with alanine.
Molecular consequence: missense variant. On other transcripts: non-coding transcript variant (1).
Genome position (GRCh38, 1-based): chr14:30,886,192, A>G. VCF-style: chr14-30886192-A-G. GRCh37 (hg19) VCF-style: chr14-31355398-A-G.
Other names: c.1357A>G, p.Thr453Ala (NM_001135058.2); c.1552A>G, p.Thr518Ala (NM_001347720.2); short protein forms T453A, T518A.
Identifiers: ClinVar variation 4701420 (VCV004701420.1).